The following is an entry in ClinVar:

ClinVar aggregate classification (germline): Uncertain significance (1 of 4 stars; one submission).

Submission:

Labcorp Genetics (formerly Invitae), Labcorp
Classification: Uncertain significance. Last evaluated: 2025-04-14. Review status: criteria provided, single submitter. Criteria: Invitae Variant Classification Sherloc (09022015). Collection method: clinical testing. Allele origin: germline.
Comment: This sequence change replaces glycine, which is neutral and non-polar, with aspartic acid, which is acidic and polar, at codon 101 of the MNX1 protein (p.Gly101Asp). The frequency data for this variant in the population databases is considered unreliable, as metrics indicate insufficient coverage at this position in the gnomAD database. This variant has not been reported in the literature in individuals affected with MNX1-related conditions. Invitae Evidence Modeling of protein sequence and biophysical properties (such as structural, functional, and spatial information, amino acid conservation, physicochemical variation, residue mobility, and thermodynamic stability) indicates that this missense variant is not expected to disrupt MNX1 protein function with a negative predictive value of 80%. In summary, the available evidence is currently insufficient to determine the role of this variant in disease. Therefore, it has been classified as a Variant of Uncertain Significance.

NM_005515.4(MNX1):c.302G>A (p.Gly101Asp)

Gene: MNX1 (motor neuron and pancreas homeobox 1; minus strand). Cytogenetic location: 7q36.3.
Variant type: single nucleotide variant.
Coding change: c.302G>A on transcript NM_005515.4 (MANE Select); coding-DNA position 302, G replaced by A.
Protein change: p.Gly101Asp; replaces glycine 101 with aspartic acid.
Molecular consequence: missense variant.
Genome position (GRCh38, 1-based): chr7:157,010,049, C>T on the plus strand (G>A on the coding strand, the complement: MNX1 is on the minus strand). VCF-style: chr7-157010049-C-T. GRCh37 (hg19) VCF-style: chr7-156802743-C-T.
Other names: short protein forms G101D.
Identifiers: ClinVar variation 4774890 (VCV004774890.1).